The following is an entry in ClinVar:

NM_032578.4(MYPN):c.946C>A (p.His316Asn)

Gene: MYPN (myopalladin; plus strand). Cytogenetic location: 10q21.3.
Variant type: single nucleotide variant.
Coding change: c.946C>A on transcript NM_032578.4 (MANE Select); coding-DNA position 946, C replaced by A.
Protein change: p.His316Asn; replaces histidine 316 with asparagine.
Molecular consequence: missense variant. On other transcripts: non-coding transcript variant (2).
Genome position (GRCh38, 1-based): chr10:68,142,983, C>A. VCF-style: chr10-68142983-C-A. GRCh37 (hg19) VCF-style: chr10-69902740-C-A.
Other names: c.946C>A, p.His316Asn (NM_001256267.2); c.64C>A, p.His22Asn (NM_001256268.2); short protein forms H316N, H22N.
Identifiers: ClinVar variation 1358346 (VCV001358346.8), dbSNP rs2134066274, ClinGen allele CA376828863.

ClinVar aggregate classification (germline): Uncertain significance (1 of 4 stars; one submission).

Conditions:
Dilated cardiomyopathy 1KK (CMD1KK). Identifiers: Orphanet 154, Orphanet 75249, MedGen C3714995, MONDO:0014100, OMIM 615248.

Submission:

Labcorp Genetics (formerly Invitae), Labcorp
Classification: Uncertain significance for Dilated cardiomyopathy 1KK. Last evaluated: 2022-06-27. Review status: criteria provided, single submitter. Criteria: Invitae Variant Classification Sherloc (09022015). Collection method: clinical testing. Allele origin: germline.
Comment: Algorithms developed to predict the effect of missense changes on protein structure and function (SIFT, PolyPhen-2, Align-GVGD) all suggest that this variant is likely to be tolerated. In summary, the available evidence is currently insufficient to determine the role of this variant in disease. Therefore, it has been classified as a Variant of Uncertain Significance. This variant has not been reported in the literature in individuals affected with MYPN-related conditions. This variant is not present in population databases (gnomAD no frequency). This sequence change replaces histidine, which is basic and polar, with asparagine, which is neutral and polar, at codon 316 of the MYPN protein (p.His316Asn).